The following is an entry in ClinVar:

ClinVar aggregate classification (germline): Uncertain significance (1 of 4 stars; one submission).

Submission:

Labcorp Genetics (formerly Invitae), Labcorp
Classification: Uncertain significance. Last evaluated: 2022-05-04. Review status: criteria provided, single submitter. Criteria: Invitae Variant Classification Sherloc (09022015). Collection method: clinical testing. Allele origin: germline.
Comment: A copy number gain of the genomic region encompassing the full coding sequence of the SLC25A12 gene has been identified. The boundaries of this event are unknown as they extend beyond the assayed region for this gene and therefore may encompass additional genes. As the precise location of this event is unknown, it may be in tandem or it may be located elsewhere in the genome. This variant has not been reported in the literature in individuals affected with SLC25A12-related conditions. In summary, the available evidence is currently insufficient to determine the role of this variant in disease. Therefore, it has been classified as a Variant of Uncertain Significance.

NC_000002.11:g.(?_171675102)_(174232392_?)dup

Genes: CDCA7 (cell division cycle associated 7; plus strand), CYBRD1 (cytochrome b reductase 1; plus strand), DCAF17 (DDB1 and CUL4 associated factor 17; plus strand), DLX1 (distal-less homeobox 1; plus strand), DLX2 (distal-less homeobox 2; minus strand) and 12 more. Cytogenetic location: 2q31.1.
Variant type: Duplication.
Identifiers: ClinVar variation 2424739 (VCV002424739.3).